The following is an entry in ClinVar:

NM_001252102.2(KIF21B):c.2835+1G>A

Gene: KIF21B (kinesin family member 21B; minus strand). Cytogenetic location: 1q32.1.
Variant type: single nucleotide variant.
Coding change: c.2835+1G>A on transcript NM_001252102.2 (MANE Select); the canonical splice donor site of the intron after coding-DNA position 2835, G replaced by A.
Molecular consequence: splice donor variant.
Genome position (GRCh38, 1-based): chr1:200,990,575, C>T on the plus strand (G>A on the coding strand, the complement: KIF21B is on the minus strand). VCF-style: chr1-200990575-C-T. GRCh37 (hg19) VCF-style: chr1-200959703-C-T.
Other names: c.2835+1G>A (NM_001252103.2, NM_017596.4, NM_001252100.2).
Identifiers: ClinVar variation 4851708 (VCV004851708.1).

ClinVar aggregate classification (germline): Uncertain significance (1 of 4 stars; one submission).

Submission:

Greenwood Genetic Center Diagnostic Laboratories, Greenwood Genetic Center
Classification: Uncertain significance. Last evaluated: 2025-02-20. Review status: criteria provided, single submitter. Criteria: ACMG Guidelines, 2015. Collection method: clinical testing. Allele origin: germline.
Comment: PM2